The following is an entry in ClinVar:

ClinVar aggregate classification (germline): Uncertain significance. Review status: criteria provided, multiple submitters, no conflicts (2 of 4 stars). 3 submissions from 3 submitters: Uncertain significance (3). Last evaluated 2024-09-23.

Conditions:
Malignant hyperthermia, susceptibility to, 1 (MHS1). Also called: Anesthesia related hyperthermia; Malignant hyperpyrexia; Fulminating hyperpyrexia; Pharmacogenic myopathy; Malignant hyperthermia suceptibility 1; RYR1-Related Malignant Hyperthermia Susceptibility. Identifiers: Orphanet 423, MedGen C2930980, MONDO:0007783, OMIM 145600.
Central core myopathy (CMYO1A). Also called: CONGENITAL MYOPATHY 1A, AUTOSOMAL DOMINANT, WITH SUSCEPTIBILITY TO MALIGNANT HYPERTHERMIA; Central core disease; Myopathy, central fibrillar. Identifiers: Orphanet 597, MedGen C5830701, MONDO:0007294, OMIM 117000.
King Denborough syndrome (KDS). Identifiers: MedGen C1840365, MONDO:0020485, OMIM 619542.
Congenital multicore myopathy with external ophthalmoplegia (CMYO1B). Also called: MULTICORE MYOPATHY; MULTIMINICORE DISEASE WITH EXTERNAL OPHTHALMOPLEGIA; Congenital myopathy 1B, autosomal recessive; Minicore myopathy; Minicore myopathy with external ophthalmoplegia. Identifiers: Orphanet 598, Orphanet 98905, MedGen C1850674, MONDO:0009712, OMIM 255320, HP:0003789.
Congenital myopathy with fiber type disproportion. Also called: Congenital fiber-type disproportion; Congenital fiber-type disproportion myopathy. Identifiers: Orphanet 2020, MedGen C0546264, MONDO:0009711. Inheritance: all.
RYR1-related disorder. Also called: RYR1-related disorders; RYR1-related condition. Identifiers: MedGen CN239331.

Allele frequency attached by ClinVar (database versions not stated): TOPMed 0.00001; ExAC 0.00002.
gnomAD v4.1: 16 of 1,613,980 alleles (0.00099%); highest among the groups gnomAD compares: Non-Finnish European, 0.00085%; no homozygotes.

Submissions (3):

All of Us Research Program, National Institutes of Health
Classification: Uncertain significance for Malignant hyperthermia, susceptibility to, 1. Last evaluated: 2024-09-23. Review status: criteria provided, single submitter. Criteria: ACMG Guidelines, 2015. Collection method: clinical testing. Allele origin: germline. Inheritance: Autosomal dominant inheritance. Observed: 7 variant alleles, 7 heterozygotes.
Comment: This missense variant replaces arginine with serine at codon 3672 of the RYR1 protein. Computational prediction is inconclusive regarding the impact of this variant on protein structure and function (internally defined REVEL score threshold 0.5 < inconclusive < 0.7, PMID: 27666373). To our knowledge, functional studies have not been reported for this variant. This variant has not been reported in individuals affected with RYR1-related disorders in the literature. This variant has been identified in 5/251422 chromosomes in the general population by the Genome Aggregation Database (gnomAD). The available evidence is insufficient to determine the role of this variant in disease conclusively. Therefore, this variant is classified as a Variant of Uncertain Significance.

This study involves interpretation of variants in research participants for the purpose of population health screening. Participant phenotype was not available at the time of variant classification. Additional details can be found in publication PMID: 35346344, PMCID: PMC8962531

Labcorp Genetics (formerly Invitae), Labcorp
Classification: Uncertain significance for RYR1-related disorder. Last evaluated: 2022-08-16. Review status: criteria provided, single submitter. Criteria: Invitae Variant Classification Sherloc (09022015). Collection method: clinical testing. Allele origin: germline.
Comment: This sequence change replaces arginine, which is basic and polar, with serine, which is neutral and polar, at codon 3672 of the RYR1 protein (p.Arg3672Ser). This variant is present in population databases (rs765145018, gnomAD 0.004%). This variant has not been reported in the literature in individuals affected with RYR1-related conditions. ClinVar contains an entry for this variant (Variation ID: 840648). Algorithms developed to predict the effect of missense changes on protein structure and function are either unavailable or do not agree on the potential impact of this missense change (SIFT: "Deleterious"; PolyPhen-2: "Benign"; Align-GVGD: "Class C0"). In summary, the available evidence is currently insufficient to determine the role of this variant in disease. Therefore, it has been classified as a Variant of Uncertain Significance.

Fulgent Genetics
Classification: Uncertain significance for Central core myopathy; Malignant hyperthermia, susceptibility to, 1; Congenital myopathy 4A, autosomal dominant; Congenital multicore myopathy with external ophthalmoplegia; King Denborough syndrome. Last evaluated: 2021-09-14. Review status: criteria provided, single submitter. Criteria: ACMG Guidelines, 2015. Collection method: clinical testing. Allele origin: unknown.

NM_000540.3(RYR1):c.11014C>A (p.Arg3672Ser)

Gene: RYR1 (ryanodine receptor 1; plus strand). Cytogenetic location: 19q13.2.
Variant type: single nucleotide variant.
Coding change: c.11014C>A on transcript NM_000540.3 (MANE Select); coding-DNA position 11014, C replaced by A.
Protein change: p.Arg3672Ser; replaces arginine 3672 with serine.
Molecular consequence: missense variant.
Genome position (GRCh38, 1-based): chr19:38,528,675, C>A. VCF-style: chr19-38528675-C-A. GRCh37 (hg19) VCF-style: chr19-39019315-C-A.
Other names: c.10999C>A, p.Arg3667Ser (NM_001042723.2); short protein forms R3672S, R3667S.
Identifiers: ClinVar variation 840648 (VCV000840648.7), dbSNP rs765145018, ClinGen allele CA080136.